The following is an entry in ClinVar:

NM_001113491.2(SEPTIN9):c.546C>T (p.Asp182=)

Gene: SEPTIN9 (septin 9; plus strand). Cytogenetic location: 17q25.3.
Variant type: single nucleotide variant.
Coding change: c.546C>T on transcript NM_001113491.2 (MANE Select); coding-DNA position 546, C replaced by T.
Protein change: p.Asp182=; no amino-acid change (aspartic acid 182 retained).
Molecular consequence: synonymous variant.
Genome position (GRCh38, 1-based): chr17:77,402,528, C>T. VCF-style: chr17-77402528-C-T. GRCh37 (hg19) VCF-style: chr17-75398610-C-T.
Other names: c.54C>T, p.Asp18= (NM_001113492.2, NM_001113494.1); c.525C>T, p.Asp175= (NM_001113493.2); c.489C>T, p.Asp163= (NM_001293695.2); c.492C>T, p.Asp164= (NM_006640.5).
Identifiers: ClinVar variation 2445482 (VCV002445482.5), dbSNP rs770276694, ClinGen allele CA8793238.

ClinVar aggregate classification (germline): Likely benign. Review status: criteria provided, multiple submitters, no conflicts (2 of 4 stars). 2 submissions from 2 submitters: Likely benign (2). Last evaluated 2025-02-26.

Allele frequency attached by ClinVar (database versions not stated): ExAC 0.00001; gnomAD exomes 0.00001; TOPMed 0.00001; gnomAD 0.00003.
gnomAD v4.1: 22 of 1,606,134 alleles (0.0014%); highest among the groups gnomAD compares: Admixed American, 0.0017%; no homozygotes.

Submissions (2):

Labcorp Genetics (formerly Invitae), Labcorp
Classification: Likely benign. Last evaluated: 2025-02-26. Review status: criteria provided, single submitter. Criteria: Invitae Variant Classification Sherloc (09022015). Collection method: clinical testing. Allele origin: germline.

Women's Health and Genetics/Laboratory Corporation of America, LabCorp
Classification: Likely benign. Last evaluated: 2024-06-19. Review status: criteria provided, single submitter. Criteria: LabCorp Variant Classification Summary - May 2015. Collection method: clinical testing. Allele origin: germline.
Comment: Variant summary: SEPTIN9 c.492C>T alters a non-conserved nucleotide resulting in a synonymous change. Consensus agreement among computation tools predict no significant impact on normal splicing. However, these predictions have yet to be confirmed by functional studies. The variant was absent in 261312 control chromosomes. The available data on variant occurrences in the general population are insufficient to allow any conclusion about variant significance. To our knowledge, no occurrence of c.492C>T in individuals affected with Amyotrophic Neuralgia and no experimental evidence demonstrating its impact on protein function have been reported. ClinVar contains an entry for this variant (Variation ID: 2445482). Based on the evidence outlined above, the variant was classified as likely benign.